The following is an entry in ClinVar:

NM_004625.4(WNT7A):c.571-9C>G

Gene: WNT7A (Wnt family member 7A; minus strand). Cytogenetic location: 3p25.1.
Variant type: single nucleotide variant.
Coding change: c.571-9C>G on transcript NM_004625.4 (MANE Select); 9 bases into the intron before coding-DNA position 571, C replaced by G.
Molecular consequence: intron variant.
Genome position (GRCh38, 1-based): chr3:13,819,432, G>C on the plus strand (C>G on the coding strand, the complement: WNT7A is on the minus strand). VCF-style: chr3-13819432-G-C. GRCh37 (hg19) VCF-style: chr3-13860929-G-C.
Identifiers: ClinVar variation 792987 (VCV000792987.10), dbSNP rs569287841, ClinGen allele CA2266386.

ClinVar aggregate classification (germline): Likely benign. Review status: criteria provided, multiple submitters, no conflicts (2 of 4 stars). 3 submissions from 3 submitters: Likely benign (2). 1 of the submissions does not count toward it. Last evaluated 2025-08-03.

Conditions:
WNT7A-related disorder. Also called: WNT7A-related condition.

Allele frequency attached by ClinVar (database versions not stated): TOPMed 0.00005; gnomAD 0.00014 and 0.00017; gnomAD exomes 0.00015 and 0.00024; ExAC 0.00029.
gnomAD v4.1: 251 of 1,611,138 alleles (0.016%); highest among the groups gnomAD compares: East Asian, 0.013%; 1 homozygote.

Submissions (3):

Labcorp Genetics (formerly Invitae), Labcorp
Classification: Likely benign. Last evaluated: 2025-08-03. Review status: criteria provided, single submitter. Criteria: Invitae Variant Classification Sherloc (09022015). Collection method: clinical testing. Allele origin: germline.

Blueprint Genetics
Classification: Likely benign. Last evaluated: 2024-11-25. Review status: criteria provided, single submitter. Criteria: ACMG Guidelines, 2015. Collection method: clinical testing. Allele origin: germline.

PreventionGenetics, part of Exact Sciences
Classification: Likely benign for WNT7A-related condition. Last evaluated: 2019-02-22. Review status: no assertion criteria provided. Collection method: clinical testing. Allele origin: germline. Not counted in ClinVar's aggregate classification.
Comment: This variant is classified as likely benign based on ACMG/AMP sequence variant interpretation guidelines (Richards et al. 2015 PMID: 25741868, with internal and published modifications).